The following is an entry in ClinVar:

NM_078470.6(COX15):c.122G>A (p.Gly41Glu)

Gene: COX15 (cytochrome c oxidase assembly homolog COX15; minus strand). Cytogenetic location: 10q24.2.
Variant type: single nucleotide variant.
Coding change: c.122G>A on transcript NM_078470.6 (MANE Select); coding-DNA position 122, G replaced by A.
Protein change: p.Gly41Glu; replaces glycine 41 with glutamic acid.
Molecular consequence: missense variant. On other transcripts: 5 prime UTR variant (1), non-coding transcript variant (1).
Genome position (GRCh38, 1-based): chr10:99,729,703, C>T on the plus strand (G>A on the coding strand, the complement: COX15 is on the minus strand). VCF-style: chr10-99729703-C-T. GRCh37 (hg19) VCF-style: chr10-101489460-C-T.
Other names: c.122G>A, p.Gly41Glu (NM_001320974.2, NM_001320975.2, NM_001372024.1 and 5 more transcripts); c.-333G>A (NM_001320976.2); short protein forms G41E.
Identifiers: ClinVar variation 1964046 (VCV001964046.4), dbSNP rs761035049, ClinGen allele CA5642352.

ClinVar aggregate classification (germline): Uncertain significance. Review status: criteria provided, multiple submitters, no conflicts (2 of 4 stars). 2 submissions from 2 submitters: Uncertain significance (2). Last evaluated 2023-07-25.

Conditions:
Inborn genetic diseases. Identifiers: MedGen C0950123, MeSH D030342.

Allele frequency attached by ClinVar (database versions not stated): ExAC 0.00001; gnomAD exomes 0.00001.
gnomAD v4.1: 4 of 1,614,130 alleles (0.00025%); highest among the groups gnomAD compares: Non-Finnish European, 0.00034%; no homozygotes.

Submissions (2):

Ambry Genetics
Classification: Uncertain significance for Inborn genetic diseases. Last evaluated: 2023-07-25. Review status: criteria provided, single submitter. Criteria: Ambry Variant Classification Scheme 2023. Collection method: clinical testing. Allele origin: germline.

Labcorp Genetics (formerly Invitae), Labcorp
Classification: Uncertain significance. Last evaluated: 2022-08-09. Review status: criteria provided, single submitter. Criteria: Invitae Variant Classification Sherloc (09022015). Collection method: clinical testing. Allele origin: germline.
Comment: This sequence change replaces glycine, which is neutral and non-polar, with glutamic acid, which is acidic and polar, at codon 41 of the COX15 protein (p.Gly41Glu). This variant is present in population databases (rs761035049, gnomAD 0.002%). This variant has not been reported in the literature in individuals affected with COX15-related conditions. Algorithms developed to predict the effect of missense changes on protein structure and function are either unavailable or do not agree on the potential impact of this missense change (SIFT: "Not Available"; PolyPhen-2: "Benign"; Align-GVGD: "Not Available"). In summary, the available evidence is currently insufficient to determine the role of this variant in disease. Therefore, it has been classified as a Variant of Uncertain Significance.